The following is an entry in ClinVar:

ClinVar aggregate classification (germline): Uncertain significance. Review status: criteria provided, multiple submitters, no conflicts (2 of 4 stars). 3 submissions from 3 submitters: Uncertain significance (3). Last evaluated 2023-04-21.

Conditions:
Acyl-CoA dehydrogenase 9 deficiency. Also called: Acyl-CoA dehydrogenase family, member 9, deficiency of; MITOCHONDRIAL COMPLEX I DEFICIENCY, NUCLEAR TYPE 20. Identifiers: Orphanet 99901, MedGen C4747517, MONDO:0012624, OMIM 611126.

Allele frequency attached by ClinVar (database versions not stated): gnomAD exomes 0.00001 and 0.00002; gnomAD 0.00002; ExAC 0.00003; TOPMed 0.00003.
gnomAD v4.1: 25 of 1,603,632 alleles (0.0016%); highest among the groups gnomAD compares: Middle Eastern, 0.05%; 1 homozygote.

Submissions (3):

Mayo Clinic Laboratories, Mayo Clinic
Classification: Uncertain significance. Last evaluated: 2023-04-21. Review status: criteria provided, single submitter. Criteria: ACMG Guidelines, 2015. Collection method: clinical testing. Allele origin: germline. Observed: 1 variant allele.
Comment: PP3

Genomic Research Center, Shahid Beheshti University of Medical Sciences
Classification: Uncertain significance for Acyl-CoA dehydrogenase 9 deficiency. Last evaluated: 2020-05-03. Review status: criteria provided, single submitter. Criteria: ACMG Guidelines, 2015. Collection method: clinical testing. Allele origin: unknown. Affected: yes.

CeGaT Center for Human Genetics Tuebingen
Classification: Uncertain significance. Last evaluated: 2017-08-01. Review status: criteria provided, single submitter. Criteria: CeGaT Center For Human Genetics Tuebingen Variant Classification Criteria Version 2. Collection method: clinical testing. Allele origin: germline. Affected: yes. Observed: 1 variant allele.

NM_014049.5(ACAD9):c.452A>G (p.Lys151Arg)

Gene: ACAD9 (acyl-CoA dehydrogenase family member 9; plus strand). Cytogenetic location: 3q21.3.
Variant type: single nucleotide variant.
Coding change: c.452A>G on transcript NM_014049.5 (MANE Select); coding-DNA position 452, A replaced by G.
Protein change: p.Lys151Arg; replaces lysine 151 with arginine.
Molecular consequence: missense variant. On other transcripts: non-coding transcript variant (1).
Genome position (GRCh38, 1-based): chr3:128,895,415, A>G. VCF-style: chr3-128895415-A-G. GRCh37 (hg19) VCF-style: chr3-128614258-A-G.
Other names: p.Lys151Arg; short protein forms K151R.
Identifiers: ClinVar variation 810717 (VCV000810717.46), dbSNP rs774429198, ClinGen allele CA2601143.